The following is an entry in ClinVar:

NM_015375.3(DSTYK):c.265+2T>C

Gene: DSTYK (dual serine/threonine and tyrosine protein kinase; minus strand). Cytogenetic location: 1q32.1.
Variant type: single nucleotide variant.
Coding change: c.265+2T>C on transcript NM_015375.3 (MANE Select); the canonical splice donor site of the intron after coding-DNA position 265, T replaced by C.
Molecular consequence: splice donor variant.
Genome position (GRCh38, 1-based): chr1:205,211,269, A>G on the plus strand (T>C on the coding strand, the complement: DSTYK is on the minus strand). VCF-style: chr1-205211269-A-G. GRCh37 (hg19) VCF-style: chr1-205180397-A-G.
Other names: c.265+2T>C (NM_199462.3).
Identifiers: ClinVar variation 3365244 (VCV003365244.1).

ClinVar aggregate classification (germline): Uncertain significance (1 of 4 stars; one submission).

Submission:

GeneDx
Classification: Uncertain significance. Last evaluated: 2023-12-08. Review status: criteria provided, single submitter. Criteria: GeneDx Variant Classification Process June 2021. Collection method: clinical testing. Allele origin: germline. Affected: yes.
Comment: Not observed at significant frequency in large population cohorts (gnomAD); Canonical splice site variant in a gene or region of a gene for which loss of function is not a well-established mechanism of disease; Has not been previously published as pathogenic or benign to our knowledge